The following is an entry in ClinVar:

NM_001287.6(CLCN7):c.1214+5G>C

Gene: CLCN7 (chloride voltage-gated channel 7; minus strand). Cytogenetic location: 16p13.3.
Variant type: single nucleotide variant.
Coding change: c.1214+5G>C on transcript NM_001287.6 (MANE Select); 5 bases into the intron after coding-DNA position 1214, G replaced by C.
Molecular consequence: intron variant.
Genome position (GRCh38, 1-based): chr16:1,453,829, C>G on the plus strand (G>C on the coding strand, the complement: CLCN7 is on the minus strand). VCF-style: chr16-1453829-C-G. GRCh37 (hg19) VCF-style: chr16-1503830-C-G.
Other names: c.1142+5G>C (NM_001114331.3).
Identifiers: ClinVar variation 2105520 (VCV002105520.4), dbSNP rs776634266, ClinGen allele CA7810372.

ClinVar aggregate classification (germline): Uncertain significance (1 of 4 stars; one submission).

Allele frequency attached by ClinVar (database versions not stated): TOPMed below 0.00001; ExAC 0.00001; gnomAD 0.00001; gnomAD exomes 0.00001.

Submission:

Labcorp Genetics (formerly Invitae), Labcorp
Classification: Uncertain significance. Last evaluated: 2022-04-08. Review status: criteria provided, single submitter. Criteria: Invitae Variant Classification Sherloc (09022015). Collection method: clinical testing. Allele origin: germline.
Comment: This sequence change falls in intron 14 of the CLCN7 gene. It does not directly change the encoded amino acid sequence of the CLCN7 protein. It affects a nucleotide within the consensus splice site. This variant is present in population databases (rs776634266, gnomAD 0.0009%). This variant has not been reported in the literature in individuals affected with CLCN7-related conditions. Variants that disrupt the consensus splice site are a relatively common cause of aberrant splicing (PMID: 17576681, 9536098). Algorithms developed to predict the effect of sequence changes on RNA splicing suggest that this variant is not likely to affect RNA splicing. In summary, the available evidence is currently insufficient to determine the role of this variant in disease. Therefore, it has been classified as a Variant of Uncertain Significance.

Literature cited by the submitters: PubMed 17576681; PubMed 9536098.